The following is an entry in ClinVar:

NM_012268.4(PLD3):c.17T>G (p.Met6Arg)

Gene: PLD3 (phospholipase D family member 3; plus strand). Cytogenetic location: 19q13.2.
Variant type: single nucleotide variant.
Coding change: c.17T>G on transcript NM_012268.4 (MANE Select); coding-DNA position 17, T replaced by G.
Protein change: p.Met6Arg; replaces methionine 6 with arginine.
Molecular consequence: missense variant.
Genome position (GRCh38, 1-based): chr19:40,366,500, T>G. VCF-style: chr19-40366500-T-G. GRCh37 (hg19) VCF-style: chr19-40872407-T-G.
Other names: c.17T>G, p.Met6Arg (NM_001031696.4, NM_001291311.2); short protein forms M6R.
Identifiers: ClinVar variation 2736892 (VCV002736892.4), dbSNP rs762406245, ClinGen allele CA9442535.

ClinVar aggregate classification (germline): Uncertain significance (1 of 4 stars; one submission).

Allele frequency attached by ClinVar (database versions not stated): TOPMed 0.00001; gnomAD exomes 0.00002; gnomAD 0.00003; ExAC 0.00001.
gnomAD v4.1: 39 of 1,613,556 alleles (0.0024%); highest among the groups gnomAD compares: Non-Finnish European, 0.0032%; no homozygotes.

Submissions (2):

Labcorp Genetics (formerly Invitae), Labcorp
Classification: Uncertain significance. Last evaluated: 2025-04-07. Review status: criteria provided, single submitter. Criteria: Invitae Variant Classification Sherloc (09022015). Collection method: clinical testing. Allele origin: germline.
Comment: This sequence change replaces methionine, which is neutral and non-polar, with arginine, which is basic and polar, at codon 6 of the PLD3 protein (p.Met6Arg). This variant is present in population databases (rs762406245, gnomAD 0.004%). This missense change has been observed in individual(s) with Alzheimer's disease (PMID: 24336208). ClinVar contains an entry for this variant (Variation ID: 2736892). An algorithm developed to predict the effect of missense changes on protein structure and function (PolyPhen-2) suggests that this variant is likely to be tolerated. In summary, the available evidence is currently insufficient to determine the role of this variant in disease. Therefore, it has been classified as a Variant of Uncertain Significance.

Dr. Peter K. Rogan Lab, Western University
No classification provided (evidence only). Condition: Malignant tumor of urinary bladder. Review status: no classification provided. Collection method: in vitro. Allele origin: not applicable. Functional consequence: retained intron. Not counted in ClinVar's aggregate classification.

Literature cited by the submitters: PubMed 24336208 (cited by Labcorp Genetics (formerly Invitae), Labcorp).